The following is an entry in ClinVar:

ClinVar aggregate classification (germline): Uncertain significance (1 of 4 stars; one submission).

Conditions:
Cardiovascular phenotype. Identifiers: MedGen CN230736.

Submission:

Ambry Genetics
Classification: Uncertain significance for Cardiovascular phenotype. Last evaluated: 2025-08-19. Review status: criteria provided, single submitter. Criteria: Ambry Variant Classification Scheme 2023. Collection method: clinical testing. Allele origin: germline.
Comment: The p.F488S variant (also known as c.1463T>C), located in coding exon 13 of the MYH7 gene, results from a T to C substitution at nucleotide position 1463. The phenylalanine at codon 488 is replaced by serine, an amino acid with highly dissimilar properties. This alteration is located in the myosin head domain, which contains a statistically significant clustering of pathogenic missense variants (Homburger JR et al. Proc Natl Acad Sci U S A, 2016 06;113:6701-6; Walsh R et al. Genet Med, 2017 02;19:192-203; Ambry internal data). This amino acid position is highly conserved in available vertebrate species. In addition, this alteration is predicted to be deleterious by in silico analysis. Based on the available evidence, the clinical significance of this variant remains unclear.

NM_000257.4(MYH7):c.1463T>C (p.Phe488Ser)

Gene: MYH7 (myosin heavy chain 7; minus strand). Cytogenetic location: 14q11.2.
Variant type: single nucleotide variant.
Coding change: c.1463T>C on transcript NM_000257.4 (MANE Select); coding-DNA position 1463, T replaced by C.
Protein change: p.Phe488Ser; replaces phenylalanine 488 with serine.
Molecular consequence: missense variant.
Genome position (GRCh38, 1-based): chr14:23,428,615, A>G on the plus strand (T>C on the coding strand, the complement: MYH7 is on the minus strand). VCF-style: chr14-23428615-A-G. GRCh37 (hg19) VCF-style: chr14-23897824-A-G.
Other names: c.1463T>C, p.Phe488Ser (NM_001407004.1); short protein forms F488S.
Identifiers: ClinVar variation 4114885 (VCV004114885.1).